The following is an entry in ClinVar:

ClinVar aggregate classification (germline): Uncertain significance (1 of 4 stars; one submission).

Conditions:
Hypertrophic cardiomyopathy. Also called: HYPERTROPHIC MYOCARDIOPATHY. Identifiers: Orphanet 217569, MedGen C0007194, MeSH D002312, MONDO:0005045, HP:0001639.

Allele frequency attached by ClinVar (database versions not stated): gnomAD exomes below 0.00001.
gnomAD v4.1: 1 of 1,613,924 alleles (0.000062%); highest among the groups gnomAD compares: African/African-American, 0.0013%; no homozygotes.

Submission:

Labcorp Genetics (formerly Invitae), Labcorp
Classification: Uncertain significance for Hypertrophic cardiomyopathy. Last evaluated: 2023-07-19. Review status: criteria provided, single submitter. Criteria: Invitae Variant Classification Sherloc (09022015). Collection method: clinical testing. Allele origin: germline.
Comment: This sequence change replaces serine, which is neutral and polar, with proline, which is neutral and non-polar, at codon 285 of the MYOM1 protein (p.Ser285Pro). This variant is not present in population databases (gnomAD no frequency). This variant has not been reported in the literature in individuals affected with MYOM1-related conditions. Advanced modeling of protein sequence and biophysical properties (such as structural, functional, and spatial information, amino acid conservation, physicochemical variation, residue mobility, and thermodynamic stability) performed at Invitae indicates that this missense variant is not expected to disrupt MYOM1 protein function. In summary, the available evidence is currently insufficient to determine the role of this variant in disease. Therefore, it has been classified as a Variant of Uncertain Significance.

NM_003803.4(MYOM1):c.853T>C (p.Ser285Pro)

Gene: MYOM1 (myomesin 1; minus strand). Cytogenetic location: 18p11.31.
Variant type: single nucleotide variant.
Coding change: c.853T>C on transcript NM_003803.4 (MANE Select); coding-DNA position 853, T replaced by C.
Protein change: p.Ser285Pro; replaces serine 285 with proline.
Molecular consequence: missense variant.
Genome position (GRCh38, 1-based): chr18:3,187,556, A>G on the plus strand (T>C on the coding strand, the complement: MYOM1 is on the minus strand). VCF-style: chr18-3187556-A-G. GRCh37 (hg19) VCF-style: chr18-3187554-A-G.
Other names: c.853T>C, p.Ser285Pro (NM_019856.2); short protein forms S285P.
Identifiers: ClinVar variation 2989532 (VCV002989532.3), dbSNP rs2510716305, ClinGen allele CA401716201.